The following is an entry in ClinVar:

ClinVar aggregate classification (germline): Conflicting classifications of pathogenicity. Review status: criteria provided, conflicting classifications (1 of 4 stars). 11 submissions from 11 submitters: Uncertain significance (8); Benign (1); Likely benign (1). 1 of the submissions does not count toward it. Last evaluated 2026-04-09.

Conditions:
BMPR1A-related disorder. Also called: BMPR1A-related condition.
Juvenile polyposis syndrome (JPS). Identifiers: Orphanet 2929, MedGen C0345893, MONDO:0017380, OMIM 174900.
Hereditary cancer-predisposing syndrome. Also called: Hereditary neoplastic syndrome; Tumor predisposition; Hereditary Cancer Syndrome; Neoplastic Syndromes, Hereditary. Identifiers: Orphanet 140162, MedGen C0027672, MeSH D009386, MONDO:0015356.
Generalized juvenile polyposis/juvenile polyposis coli. Also called: Juvenile polyposis coli. Identifiers: Orphanet 329971, MedGen C1868081, MONDO:0008276.
Polyposis syndrome, hereditary mixed, 2. Identifiers: Orphanet 157794, MedGen C1864730, MONDO:0012405, OMIM 610069.

Allele frequency attached by ClinVar (database versions not stated): gnomAD 0.00001; ExAC 0.00002; TOPMed 0.00002; gnomAD exomes 0.00003.
gnomAD v4.1: 106 of 1,613,488 alleles (0.0066%); highest among the groups gnomAD compares: Middle Eastern, 0.037%; no homozygotes.

Submissions (11):

PreventionGenetics, part of Exact Sciences
Classification: Uncertain significance for BMPR1A-related condition. Last evaluated: 2026-04-09. Review status: criteria provided, single submitter. Criteria: ACMG Guidelines, 2015. Collection method: clinical testing. Allele origin: germline.
Comment: The BMPR1A c.1596C>G variant is predicted to result in the amino acid substitution p.Ile532Met. This variant has not been reported in the literature in individuals with BMPR1A-related conditions. This variant is reported in 0.0063% of alleles in individuals of African descent in gnomAD and has conflicting interpretations of pathogenicity in ClinVar ranging from uncertain significance to benign (Variation ID: 41781). At this time, the clinical significance of this variant is uncertain due to the absence of conclusive functional and genetic evidence.

Labcorp Genetics (formerly Invitae), Labcorp
Classification: Uncertain significance for Juvenile polyposis syndrome. Last evaluated: 2025-11-24. Review status: criteria provided, single submitter. Criteria: Invitae Variant Classification Sherloc (09022015). Collection method: clinical testing. Allele origin: germline.
Comment: This sequence change replaces isoleucine, which is neutral and non-polar, with methionine, which is neutral and non-polar, at codon 532 of the BMPR1A protein (p.Ile532Met). This variant is present in population databases (rs201345248, gnomAD 0.007%). This variant has not been reported in the literature in individuals affected with BMPR1A-related conditions. ClinVar contains an entry for this variant (Variation ID: 41781). Invitae Evidence Modeling of protein sequence and biophysical properties (such as structural, functional, and spatial information, amino acid conservation, physicochemical variation, residue mobility, and thermodynamic stability) indicates that this missense variant is not expected to disrupt BMPR1A protein function with a negative predictive value of 80%. In summary, the available evidence is currently insufficient to determine the role of this variant in disease. Therefore, it has been classified as a Variant of Uncertain Significance.

Color Diagnostics, LLC DBA Color Health
Classification: Benign for Hereditary cancer-predisposing syndrome. Last evaluated: 2025-11-20. Review status: criteria provided, single submitter. Criteria: ACMG Guidelines, 2015. Collection method: clinical testing. Allele origin: germline.

Quest Diagnostics Nichols Institute San Juan Capistrano
Classification: Uncertain significance. Last evaluated: 2025-11-03. Review status: criteria provided, single submitter. Criteria: Quest Diagnostics criteria. Collection method: clinical testing. Allele origin: unknown.
Comment: The BMPR1A c.1596C>G (p.Ile532Met) variant has been reported in the published literature as a variant of uncertain significance in cancer association study using whole exome sequencing (PMID: 22703879 (2012)). The frequency of this variant in the general population (Genome Aggregation Database) is uninformative in the assessment of its pathogenicity. Analysis of this variant using bioinformatics tools for the prediction of the effect of amino acid changes on protein structure and function yielded conflicting predictions that this variant is benign or damaging. Based on the available information, we are unable to determine the clinical significance of this variant.

Molecular Pathology, Peter Maccallum Cancer Centre
Classification: Uncertain significance for Generalized juvenile polyposis/juvenile polyposis coli. Last evaluated: 2024-09-09. Review status: criteria provided, single submitter. Criteria: ACMG Guidelines, 2015. Collection method: clinical testing. Allele origin: germline. Inheritance: Autosomal dominant inheritance.

All of Us Research Program, National Institutes of Health
Classification: Uncertain significance for Juvenile polyposis syndrome. Last evaluated: 2024-04-25. Review status: criteria provided, single submitter. Criteria: ACMG Guidelines, 2015. Collection method: clinical testing. Allele origin: germline. Inheritance: Autosomal dominant inheritance. Observed: 9 variant alleles, 9 heterozygotes.
Comment: This missense variant replaces isoleucine with methionine at codon 532 of the BMPR1A protein. Computational prediction is inconclusive regarding the impact of this variant on protein structure and function (internally defined REVEL score threshold 0.5 < inconclusive < 0.7, PMID: 27666373). To our knowledge, functional studies have not been reported for this variant. This variant has not been reported in individuals affected with BMPR1A-related disorders in the literature. This variant has been identified in 7/250934 chromosomes in the general population by the Genome Aggregation Database (gnomAD). The available evidence is insufficient to determine the role of this variant in disease conclusively. Therefore, this variant is classified as a Variant of Uncertain Significance.

This study involves interpretation of variants in research participants for the purpose of population health screening. Participant phenotype was not available at the time of variant classification. Additional details can be found in publication PMID: 35346344, PMCID: PMC8962531

Baylor Genetics
Classification: Uncertain significance for Polyposis syndrome, hereditary mixed, 2. Last evaluated: 2023-12-04. Review status: criteria provided, single submitter. Criteria: ACMG Guidelines, 2015. Collection method: clinical testing. Allele origin: unknown.

GeneDx
Classification: Uncertain significance. Last evaluated: 2023-06-09. Review status: criteria provided, single submitter. Criteria: GeneDx Variant Classification Process June 2021. Collection method: clinical testing. Allele origin: germline. Affected: yes.
Comment: In silico analysis supports that this missense variant does not alter protein structure/function; Has not been previously published as pathogenic or benign to our knowledge; This variant is associated with the following publications: (PMID: 22703879)

Ambry Genetics
Classification: Likely benign for Hereditary cancer-predisposing syndrome. Last evaluated: 2022-12-09. Review status: criteria provided, single submitter. Criteria: Ambry Variant Classification Scheme 2023. Collection method: clinical testing. Allele origin: germline.

Sema4
Classification: Uncertain significance for Hereditary cancer-predisposing syndrome. Last evaluated: 2022-02-23. Review status: criteria provided, single submitter. Criteria: Sema4 Curation Guidelines. Collection method: curation. Allele origin: germline.
Comment: To the best of our knowledge, the BMPR1A c.1596C>G (p.I532M) variant has not been reported in individuals with BMPR1A-related disease. It was observed in 5/113596 chromosomes of the Non-Finnish European subpopulation in the large and broad cohorts of the Genome Aggregation Database (PMID: 32461654). The variant has been reported in ClinVar (Variation ID 41781). Functional studies have not been performed, and in silico predictions of the variant's effect on protein function are inconclusive. The evidence is insufficient to meet ACMG/AMP criteria for classifying the variant as benign or pathogenic. Thus, the clinical significance of this variant is currently uncertain.

Biesecker Lab/Clinical Genomics Section, National Institutes of Health
Classification: Uncertain significance. Last evaluated: 2012-07-13. Review status: no assertion criteria provided. Collection method: research. Allele origin: germline. Affected: no. Observed: 1 variant allele. Study: ClinSeq. Not counted in ClinVar's aggregate classification.
ClinVar note: Converted during submission from variant of unknown significance to Uncertain significance.

NM_004329.3(BMPR1A):c.1596C>G (p.Ile532Met)

Gene: BMPR1A (bone morphogenetic protein receptor type 1A; plus strand). Cytogenetic location: 10q23.2.
Variant type: single nucleotide variant.
Coding change: c.1596C>G on transcript NM_004329.3 (MANE Select); coding-DNA position 1596, C replaced by G.
Protein change: p.Ile532Met; replaces isoleucine 532 with methionine.
Molecular consequence: missense variant.
Genome position (GRCh38, 1-based): chr10:86,923,716, C>G. VCF-style: chr10-86923716-C-G. GRCh37 (hg19) VCF-style: chr10-88683473-C-G.
Other names: short protein forms I532M.
Identifiers: ClinVar variation 41781 (VCV000041781.36), dbSNP rs201345248, ClinGen allele CA164052.